The following is an entry in ClinVar:

ClinVar aggregate classification (germline): Conflicting classifications of pathogenicity. Review status: criteria provided, conflicting classifications (1 of 4 stars). 8 submissions from 8 submitters: Likely pathogenic (1); Uncertain significance (6). 1 of the submissions does not count toward it. Last evaluated 2026-01-12.

Conditions:
Hereditary cancer-predisposing syndrome. Also called: Neoplastic Syndromes, Hereditary; Hereditary Cancer Syndrome; Tumor predisposition; Hereditary neoplastic syndrome. Identifiers: Orphanet 140162, MedGen C0027672, MeSH D009386, MONDO:0015356.
Chuvash polycythemia. Also called: POLYCYTHEMIA, VHL-DEPENDENT. Identifiers: Orphanet 238557, MedGen C1837915, MONDO:0009892, OMIM 263400.
Von Hippel-Lindau syndrome (VHLS). Also called: VHL syndrome; Von Hippel-Lindau; von Hippel–Lindau syndrome. Identifiers: Orphanet 892, MedGen C0019562, MONDO:0008667, OMIM 193300. Disease mechanism: loss of function.
Pheochromocytoma. Also called: MAX-Related Hereditary Paraganglioma-Pheochromocytoma Syndrome. Identifiers: Orphanet 29072, MedGen C0031511, MONDO:0008233, OMIM 171300, HP:0002666.
Nonpapillary renal cell carcinoma. Identifiers: Orphanet 422526, MedGen CN074294, MONDO:0007763, OMIM 144700.

Allele frequency attached by ClinVar (database versions not stated): ExAC 0.00001; TOPMed 0.00001.
gnomAD v4.1: 84 of 1,614,118 alleles (0.0052%); highest among the groups gnomAD compares: Non-Finnish European, 0.0069%; no homozygotes.

Submissions (8):

Labcorp Genetics (formerly Invitae), Labcorp
Classification: Likely pathogenic for Von Hippel-Lindau syndrome; Chuvash polycythemia. Last evaluated: 2026-01-12. Review status: criteria provided, single submitter. Criteria: Invitae Variant Classification Sherloc (09022015). Collection method: clinical testing. Allele origin: germline.
Comment: This sequence change replaces proline, which is neutral and non-polar, with serine, which is neutral and polar, at codon 192 of the VHL protein (p.Pro192Ser). This variant is present in population databases (rs28940300, gnomAD 0.002%). This missense change has been observed in individual(s) with familial erythrocytosis type 2 (Chuvash polycythemia) (PMID: 12844285). In at least one individual the data is consistent with being in trans (on the opposite chromosome) from a pathogenic variant. ClinVar contains an entry for this variant (Variation ID: 2234). Invitae Evidence Modeling of protein sequence and biophysical properties (such as structural, functional, and spatial information, amino acid conservation, physicochemical variation, residue mobility, and thermodynamic stability) indicates that this missense variant is expected to disrupt VHL protein function with a positive predictive value of 95%. In summary, the currently available evidence indicates that the variant is pathogenic, but additional data are needed to prove that conclusively. Therefore, this variant has been classified as Likely Pathogenic.

Ambry Genetics
Classification: Uncertain significance for Hereditary cancer-predisposing syndrome. Last evaluated: 2025-03-11. Review status: criteria provided, single submitter. Criteria: Ambry Variant Classification Scheme 2023. Collection method: clinical testing. Allele origin: germline.
Comment: The p.P192S variant (also known as c.574C>T), located in coding exon 3 of the VHL gene, results from a C to T substitution at nucleotide position 574. The proline at codon 192 is replaced by serine, an amino acid with similar properties. The variant was also present in the heterozygous state in the patient's unaffected father and brother (Pastore Y et al. Am. J. Hum. Genet., 2003 Aug;73:412-9). This amino acid position is highly conserved in available vertebrate species. In addition, this alteration is predicted to be deleterious by in silico analysis. Based on the available evidence, the clinical significance of this alteration remains unclear.

All of Us Research Program, National Institutes of Health
Classification: Uncertain significance for Von Hippel-Lindau syndrome. Last evaluated: 2024-06-11. Review status: criteria provided, single submitter. Criteria: ACMG Guidelines, 2015. Collection method: clinical testing. Allele origin: germline. Inheritance: Autosomal dominant inheritance. Observed: 11 variant alleles, 11 heterozygotes.
Comment: This missense variant replaces proline with serine at codon 192 of the VHL protein. Computational prediction suggests that this variant may have deleterious impact on protein structure and function (internally defined REVEL score threshold >= 0.7, PMID: 27666373). To our knowledge, functional studies have not been reported for this variant. This variant has been reported in two individuals affected with renal cell carcinoma (PMID: 11536052, 24166983) and an individual affected with thyroid cancer (PMID: 26957611, 29607586). This variant also has been reported in trans with VHL p.Arg200Trp in an individual affected with recessive polycythemia (PMID: 12844285). Three different missense variants at this codon have been reported as likely disease-causing in ClinVar by an external laboratory (variation ID: 526677, 825946, 1488572), and p.Pro192Leu has been reported in two individuals affected with bilateral pheochromocytomas (PMID: 31397861). Grantham analysis predicts that p.Pro192Leu is a more disruptive substitution than the variant in question, p.Pro192Ser (PMID: 4843792). This variant has been identified in 2/251422 chromosomes in the general population by the Genome Aggregation Database (gnomAD). The available evidence is insufficient to determine the role of this variant in disease conclusively. Therefore, this variant is classified as a Variant of Uncertain Significance.

This study involves interpretation of variants in research participants for the purpose of population health screening. Participant phenotype was not available at the time of variant classification. Additional details can be found in publication PMID: 35346344, PMCID: PMC8962531

Fulgent Genetics
Classification: Uncertain significance for Nonpapillary renal cell carcinoma; Pheochromocytoma; Von Hippel-Lindau syndrome; Chuvash polycythemia. Last evaluated: 2024-02-08. Review status: criteria provided, single submitter. Criteria: ACMG Guidelines, 2015. Collection method: clinical testing. Allele origin: germline.

Baylor Genetics
Classification: Uncertain significance for Chuvash polycythemia. Last evaluated: 2023-10-08. Review status: criteria provided, single submitter. Criteria: ACMG Guidelines, 2015. Collection method: clinical testing. Allele origin: unknown.

Laboratory for Molecular Medicine, Mass General Brigham Personalized Medicine
Classification: Uncertain significance for Von Hippel-Lindau syndrome. Last evaluated: 2023-01-23. Review status: criteria provided, single submitter. Criteria: ACMG Guidelines, 2015. Collection method: clinical testing. Allele origin: germline. Inheritance: Autosomal dominant inheritance.
Comment: The p.Pro192Ser variant in VHL has been reported in one individuals with thyroid cancer (Lim 2016 PMID: 26957611). It has additionally been identified in trans with a pathogenic variant in a child with polycythemia; the p.Pro192Ser variant was identified in his father but it was not specified whether he exhibited a phenotype (Pastore 2003 PMID: 12844285). It was present in 0.002% of European chromosomes in the gnomAD database. This variant has also been reported in ClinVar (Variation ID 2234). An additional variant at the same amino acid position, p.Pro192Thr has been identified (Variation ID 1488572). Computational prediction tools and conservation analyses do not provide strong support for or against an impact to the protein. In summary, the clinical significance of this variant is uncertain. ACMG/AMP Criteria applied: PM2_Supporting.

GeneDx
Classification: Uncertain significance. Last evaluated: 2021-09-29. Review status: criteria provided, single submitter. Criteria: GeneDx Variant Classification Process June 2021. Collection method: clinical testing. Allele origin: germline. Affected: yes.
Comment: Not observed at significant frequency in large population cohorts (Lek et al., 2016); In silico analysis supports that this missense variant has a deleterious effect on protein structure/function; Observed on the opposite allele (in trans) with a pathogenic variant in an individual with polycythemia (Pastore 2003); Also known as c.787C>T p.(P263S) and p.(P233S); This variant is associated with the following publications: (PMID: 18836774, 24115288, 24166983, 11536052, 26957611, 12844285, 29607586)

OMIM
Classification: Pathogenic for ERYTHROCYTOSIS, FAMILIAL, 2. Last evaluated: 2003-02-15. Review status: no assertion criteria provided. Collection method: literature only. Allele origin: germline. Not counted in ClinVar's aggregate classification.

Literature cited by the submitters: PubMed 12844285 (cited by 3 submitters); PubMed 26957611 (cited by Ambry Genetics and All of Us Research Program, National Institutes of Health); PubMed 29607586 (cited by Ambry Genetics and All of Us Research Program, National Institutes of Health); PubMed 4843792 (cited by All of Us Research Program, National Institutes of Health); PubMed 11536052 (cited by All of Us Research Program, National Institutes of Health); PubMed 24166983 (cited by All of Us Research Program, National Institutes of Health); PubMed 31397861 (cited by All of Us Research Program, National Institutes of Health); PubMed 12393546 (cited by OMIM).

NM_000551.4(VHL):c.574C>T (p.Pro192Ser)

Genes: VHL (von Hippel-Lindau tumor suppressor; plus strand), LOC107303340 (3p25 von Hippel-Lindau tumor suppressor, E3 ubiquitin protein ligase Alu-mediated recombination region; plus strand). Cytogenetic location: 3p25.3.
Variant type: single nucleotide variant.
Coding change: c.574C>T on transcript NM_000551.4 (MANE Select); coding-DNA position 574, C replaced by T.
Protein change: p.Pro192Ser; replaces proline 192 with serine.
Molecular consequence: missense variant. On other transcripts: 3 prime UTR variant (1).
Genome position (GRCh38, 1-based): chr3:10,149,897, C>T. VCF-style: chr3-10149897-C-T. GRCh37 (hg19) VCF-style: chr3-10191581-C-T.
Other names: c.*128C>T (NM_001354723.2); c.451C>T, p.Pro151Ser (NM_198156.3); short protein forms P192S, P151S.
Identifiers: ClinVar variation 2234 (VCV000002234.24), dbSNP rs28940300, ClinGen allele CA020501.